The following is an entry in ClinVar:

NM_015425.6(POLR1A):c.3503A>T (p.Asp1168Val)

Gene: POLR1A (RNA polymerase I subunit A; minus strand). Cytogenetic location: 2p11.2.
Variant type: single nucleotide variant.
Coding change: c.3503A>T on transcript NM_015425.6 (MANE Select); coding-DNA position 3503, A replaced by T.
Protein change: p.Asp1168Val; replaces aspartic acid 1168 with valine.
Molecular consequence: missense variant.
Genome position (GRCh38, 1-based): chr2:86,041,958, T>A on the plus strand (A>T on the coding strand, the complement: POLR1A is on the minus strand). VCF-style: chr2-86041958-T-A. GRCh37 (hg19) VCF-style: chr2-86269081-T-A.
Other names: short protein forms D1168V.
Identifiers: ClinVar variation 2900457 (VCV002900457.3), dbSNP rs1672618253, ClinGen allele CA347553009.

ClinVar aggregate classification (germline): Uncertain significance (1 of 4 stars; one submission).

Allele frequency attached by ClinVar (database versions not stated): gnomAD exomes below 0.00001.
gnomAD v4.1: 3 of 1,614,204 alleles (0.00019%); highest among the groups gnomAD compares: Non-Finnish European, 0.00017%; no homozygotes.

Submission:

Labcorp Genetics (formerly Invitae), Labcorp
Classification: Uncertain significance. Last evaluated: 2023-07-19. Review status: criteria provided, single submitter. Criteria: Invitae Variant Classification Sherloc (09022015). Collection method: clinical testing. Allele origin: germline.
Comment: This sequence change replaces aspartic acid, which is acidic and polar, with valine, which is neutral and non-polar, at codon 1168 of the POLR1A protein (p.Asp1168Val). In summary, the available evidence is currently insufficient to determine the role of this variant in disease. Therefore, it has been classified as a Variant of Uncertain Significance. Advanced modeling of protein sequence and biophysical properties (such as structural, functional, and spatial information, amino acid conservation, physicochemical variation, residue mobility, and thermodynamic stability) performed at Invitae indicates that this missense variant is not expected to disrupt POLR1A protein function. This variant has not been reported in the literature in individuals affected with POLR1A-related conditions. This variant is not present in population databases (gnomAD no frequency).